The following is an entry in ClinVar:

NM_152564.5(VPS13B):c.11858G>A (p.Cys3953Tyr)

Gene: VPS13B (vacuolar protein sorting 13 homolog B; plus strand). Cytogenetic location: 8q22.2.
Variant type: single nucleotide variant.
Coding change: c.11858G>A on transcript NM_152564.5 (MANE Select); coding-DNA position 11858, G replaced by A.
Protein change: p.Cys3953Tyr; replaces cysteine 3953 with tyrosine.
Molecular consequence: missense variant.
Genome position (GRCh38, 1-based): chr8:99,875,530, G>A. VCF-style: chr8-99875530-G-A. GRCh37 (hg19) VCF-style: chr8-100887758-G-A.
Other names: c.11933G>A, p.Cys3978Tyr (NM_017890.5); short protein forms C3978Y, C3953Y.
Identifiers: ClinVar variation 2093660 (VCV002093660.4), dbSNP rs2492411835, ClinGen allele CA371795777.

ClinVar aggregate classification (germline): Uncertain significance (1 of 4 stars; one submission).

Conditions:
Cohen syndrome (COH1). Also called: Cutis verticis gyrata, retinitis pigmentosa, and sensorineural deafness; PEPPER SYNDROME. Identifiers: Orphanet 193, MedGen C0265223, MONDO:0008999, OMIM 216550.

Submission:

Labcorp Genetics (formerly Invitae), Labcorp
Classification: Uncertain significance for Cohen syndrome. Last evaluated: 2022-09-27. Review status: criteria provided, single submitter. Criteria: Invitae Variant Classification Sherloc (09022015). Collection method: clinical testing. Allele origin: germline.
Comment: Advanced modeling of protein sequence and biophysical properties (such as structural, functional, and spatial information, amino acid conservation, physicochemical variation, residue mobility, and thermodynamic stability) performed at Invitae indicates that this missense variant is not expected to disrupt VPS13B protein function. In summary, the available evidence is currently insufficient to determine the role of this variant in disease. Therefore, it has been classified as a Variant of Uncertain Significance. This variant has not been reported in the literature in individuals affected with VPS13B-related conditions. This sequence change replaces cysteine, which is neutral and slightly polar, with tyrosine, which is neutral and polar, at codon 3978 of the VPS13B protein (p.Cys3978Tyr). This variant is not present in population databases (gnomAD no frequency).